The following is an entry in ClinVar:

ClinVar aggregate classification (germline): Uncertain significance (1 of 4 stars; one submission).

Conditions:
Deficiency of adenosine deaminase 2. Also called: Polyarteritis nodosa, childhoood-onset; VASCULITIS, AUTOINFLAMMATION, IMMUNODEFICIENCY, AND HEMATOLOGIC DEFECTS SYNDROME; Adenosine Deaminase 2 Deficiency. Identifiers: Orphanet 404553, MedGen C3887654, MONDO:0014306, OMIM 615688, MONDO:0100317.

Submission:

Labcorp Genetics (formerly Invitae), Labcorp
Classification: Uncertain significance for Deficiency of adenosine deaminase 2. Last evaluated: 2022-07-18. Review status: criteria provided, single submitter. Criteria: Invitae Variant Classification Sherloc (09022015). Collection method: clinical testing. Allele origin: germline.
Comment: This sequence change replaces isoleucine, which is neutral and non-polar, with leucine, which is neutral and non-polar, at codon 79 of the ADA2 protein (p.Ile79Leu). In summary, the available evidence is currently insufficient to determine the role of this variant in disease. Therefore, it has been classified as a Variant of Uncertain Significance. Algorithms developed to predict the effect of missense changes on protein structure and function (SIFT, PolyPhen-2, Align-GVGD) all suggest that this variant is likely to be tolerated. ClinVar contains an entry for this variant (Variation ID: 1463592). This variant has not been reported in the literature in individuals affected with ADA2-related conditions. This variant is not present in population databases (gnomAD no frequency).

NM_001282225.2(ADA2):c.235A>T (p.Ile79Leu)

Gene: ADA2 (adenosine deaminase 2; minus strand). Cytogenetic location: 22q11.1.
Variant type: single nucleotide variant.
Coding change: c.235A>T on transcript NM_001282225.2 (MANE Select); coding-DNA position 235, A replaced by T.
Protein change: p.Ile79Leu; replaces isoleucine 79 with leucine.
Molecular consequence: missense variant. On other transcripts: intron variant (1).
Genome position (GRCh38, 1-based): chr22:17,209,443, T>A on the plus strand (A>T on the coding strand, the complement: ADA2 is on the minus strand). VCF-style: chr22-17209443-T-A. GRCh37 (hg19) VCF-style: chr22-17690333-T-A.
Other names: c.235A>T, p.Ile79Leu (NM_001282226.2); c.109A>T, p.Ile37Leu (NM_001282227.2, NM_001282228.2); c.-38-2153A>T (NM_001282229.2); short protein forms I79L, I37L.
Identifiers: ClinVar variation 1463592 (VCV001463592.6), dbSNP rs2123715420, ClinGen allele CA410230417.
Genomic context (GRCh38, chr22:17,209,443, plus strand): 5'-ACACTTGACTTCTCTCAATGAGATGCTTGGCCTGGAAAAAGTGCATGCTGGGTGGGAATA[T>A]CAGGGTCCTCATGGCCTCCTTCATCTCAGCGATTTTGAGCGTCATGAGCCTCTCATTGGC-3'
Protein context (NP_001269154.1, residues 69-89): AEMKEAMRTL[Ile79Leu]FPPSMHFFQA